The following is an entry in ClinVar:

NM_144596.4(TTC8):c.83C>T (p.Thr28Met)

Gene: TTC8 (tetratricopeptide repeat domain 8; plus strand). Cytogenetic location: 14q31.3.
Variant type: single nucleotide variant.
Coding change: c.83C>T on transcript NM_144596.4 (MANE Select); coding-DNA position 83, C replaced by T.
Protein change: p.Thr28Met; replaces threonine 28 with methionine.
Molecular consequence: missense variant. On other transcripts: 5 prime UTR variant (2), non-coding transcript variant (1).
Genome position (GRCh38, 1-based): chr14:88,824,790, C>T. VCF-style: chr14-88824790-C-T. GRCh37 (hg19) VCF-style: chr14-89291134-C-T.
Other names: c.83C>T, p.Thr28Met (NM_001288781.1, NM_001366535.2, NM_001366536.2 and 2 more transcripts); c.-480C>T (NM_001288782.1); c.-575C>T (NM_001288783.1); c.83C>T (NM_198309.2); short protein forms T28M.
Identifiers: ClinVar variation 3358753 (VCV003358753.2).

ClinVar aggregate classification (germline): Uncertain significance. Review status: criteria provided, single submitter (1 of 4 stars). 2 submissions from 2 submitters: Uncertain significance (1). 1 of the submissions does not count toward it. Last evaluated 2025-12-11.

Conditions:
TTC8-related disorder. Also called: TTC8-related condition.
Inborn genetic diseases. Identifiers: MedGen C0950123, MeSH D030342.

Submissions (2):

Ambry Genetics
Classification: Uncertain significance for Inborn genetic diseases. Last evaluated: 2025-12-11. Review status: criteria provided, single submitter. Criteria: Ambry Variant Classification Scheme 2023. Collection method: clinical testing. Allele origin: germline.

PreventionGenetics, part of Exact Sciences
Classification: Uncertain significance for TTC8-related condition. Last evaluated: 2024-03-22. Review status: no assertion criteria provided. Collection method: clinical testing. Allele origin: germline. Not counted in ClinVar's aggregate classification.
Comment: The TTC8 c.83C>T variant is predicted to result in the amino acid substitution p.Thr28Met. To our knowledge, this variant has not been reported in the literature or in a large population database, indicating this variant is rare. At this time, the clinical significance of this variant is uncertain due to the absence of conclusive functional and genetic evidence.